The following is an entry in ClinVar:

NM_015059.3(TLN2):c.4932C>T (p.Asp1644=)

Gene: TLN2 (talin 2; plus strand). Cytogenetic location: 15q22.2.
Variant type: single nucleotide variant.
Coding change: c.4932C>T on transcript NM_015059.3 (MANE Select); coding-DNA position 4932, C replaced by T.
Protein change: p.Asp1644=; no amino-acid change (aspartic acid 1644 retained).
Molecular consequence: synonymous variant.
Genome position (GRCh38, 1-based): chr15:62,762,424, C>T. VCF-style: chr15-62762424-C-T. GRCh37 (hg19) VCF-style: chr15-63054623-C-T.
Other names: c.4932C>T, p.Asp1644= (NM_001394547.1).
Identifiers: ClinVar variation 2645414 (VCV002645414.24), dbSNP rs375082786, ClinGen allele CA7600038.

ClinVar aggregate classification (germline): Likely benign (1 of 4 stars; one submission).

Allele frequency attached by ClinVar (database versions not stated): TOPMed 0.00005; ExAC 0.00011; gnomAD 0.00011; gnomAD exomes 0.00014; ESP Exome Variant Server 0.00015; 1000 Genomes Project 0.00020; 1000 Genomes Project 30x 0.00031.
gnomAD v4.1: 225 of 1,614,178 alleles (0.014%); highest among the groups gnomAD compares: Middle Eastern, 0.27%; no homozygotes.

Submission:

CeGaT Center for Human Genetics Tuebingen
Classification: Likely benign. Last evaluated: 2023-03-01. Review status: criteria provided, single submitter. Criteria: CeGaT Center For Human Genetics Tuebingen Variant Classification Criteria Version 2. Collection method: clinical testing. Allele origin: germline. Affected: yes. Observed: 1 variant allele.
Comment: TLN2: BP4, BP7